The following is an entry in ClinVar:

ClinVar aggregate classification (germline): Conflicting classifications of pathogenicity. Review status: criteria provided, conflicting classifications (1 of 4 stars). 3 submissions from 3 submitters: Uncertain significance (2); Likely benign (1). Last evaluated 2025-12-01.

Conditions:
Cardiovascular phenotype. Identifiers: MedGen CN230736.
Long QT syndrome (LQTS). Identifiers: MedGen C0023976, MeSH D008133, MONDO:0002442. Disease mechanism: loss of function. Inheritance: Various modes of inheritance.
Long QT syndrome 11 (LQT11). Identifiers: Orphanet 101016, Orphanet 768, MedGen C2678483, MONDO:0012738, OMIM 611820.

Allele frequency attached by ClinVar (database versions not stated): ExAC 0.00002; gnomAD exomes 0.00002; TOPMed 0.00002; gnomAD 0.00003.
gnomAD v4.1: 37 of 1,600,992 alleles (0.0023%); highest among the groups gnomAD compares: Non-Finnish European, 0.0027%; no homozygotes.

Submissions (3):

Labcorp Genetics (formerly Invitae), Labcorp
Classification: Uncertain significance for Long QT syndrome. Last evaluated: 2025-12-01. Review status: criteria provided, single submitter. Criteria: Invitae Variant Classification Sherloc (09022015). Collection method: clinical testing. Allele origin: germline.
Comment: This sequence change replaces valine, which is neutral and non-polar, with alanine, which is neutral and non-polar, at codon 1444 of the AKAP9 protein (p.Val1444Ala). This variant is present in population databases (rs762794527, gnomAD 0.007%). This variant has not been reported in the literature in individuals affected with AKAP9-related conditions. ClinVar contains an entry for this variant (Variation ID: 1027262). An algorithm developed to predict the effect of missense changes on protein structure and function (PolyPhen-2) suggests that this variant is likely to be disruptive. In summary, the available evidence is currently insufficient to determine the role of this variant in disease. Therefore, it has been classified as a Variant of Uncertain Significance.

Ambry Genetics
Classification: Likely benign for Cardiovascular phenotype. Last evaluated: 2025-09-06. Review status: criteria provided, single submitter. Criteria: Ambry Variant Classification Scheme 2023. Collection method: clinical testing. Allele origin: germline.

Fulgent Genetics
Classification: Uncertain significance for Long QT syndrome 11. Last evaluated: 2021-07-28. Review status: criteria provided, single submitter. Criteria: ACMG Guidelines, 2015. Collection method: clinical testing. Allele origin: unknown.

NM_005751.5(AKAP9):c.4331T>C (p.Val1444Ala)

Gene: AKAP9 (A-kinase anchoring protein 9; plus strand). Cytogenetic location: 7q21.2.
Variant type: single nucleotide variant.
Coding change: c.4331T>C on transcript NM_005751.5 (MANE Select); coding-DNA position 4331, T replaced by C.
Protein change: p.Val1444Ala; replaces valine 1444 with alanine.
Molecular consequence: missense variant.
Genome position (GRCh38, 1-based): chr7:92,031,597, T>C. VCF-style: chr7-92031597-T-C. GRCh37 (hg19) VCF-style: chr7-91660911-T-C.
Other names: c.4331T>C, p.Val1444Ala (NM_147185.3); short protein forms V1444A.
Identifiers: ClinVar variation 1027262 (VCV001027262.12), dbSNP rs762794527, ClinGen allele CA4336545.